The following is an entry in ClinVar:

NM_001379286.1(ZNF423):c.3355G>A (p.Glu1119Lys)

Gene: ZNF423 (zinc finger protein 423; minus strand). Cytogenetic location: 16q12.1.
Variant type: single nucleotide variant.
Coding change: c.3355G>A on transcript NM_001379286.1 (MANE Select); coding-DNA position 3355, G replaced by A.
Protein change: p.Glu1119Lys; replaces glutamic acid 1119 with lysine.
Molecular consequence: missense variant.
Genome position (GRCh38, 1-based): chr16:49,635,821, C>T on the plus strand (G>A on the coding strand, the complement: ZNF423 is on the minus strand). VCF-style: chr16-49635821-C-T. GRCh37 (hg19) VCF-style: chr16-49669732-C-T.
Other names: c.3331G>A (NM_015069.2); c.3151G>A, p.Glu1051Lys (NM_001271620.2); c.2980G>A, p.Glu994Lys (NM_001330533.2); c.3331G>A, p.Glu1111Lys (NM_015069.5); short protein forms E1111K, E1051K, E1119K, E994K.
Identifiers: ClinVar variation 1360966 (VCV001360966.6), dbSNP rs963887255, ClinGen allele CA281210746.

ClinVar aggregate classification (germline): Uncertain significance. Review status: criteria provided, multiple submitters, no conflicts (2 of 4 stars). 2 submissions from 2 submitters: Uncertain significance (2). Last evaluated 2025-12-15.

Conditions:
Nephronophthisis 14 (NPHP14). Identifiers: Orphanet 2318, MedGen C3539071, MONDO:0013916, OMIM 614844.

Allele frequency attached by ClinVar (database versions not stated): gnomAD exomes 0.00002; TOPMed 0.00002.
gnomAD v4.1: 35 of 1,608,586 alleles (0.0022%); highest among the groups gnomAD compares: Non-Finnish European, 0.0027%; no homozygotes.

Submissions (2):

Ambry Genetics
Classification: Uncertain significance. Last evaluated: 2025-12-15. Review status: criteria provided, single submitter. Criteria: Ambry Variant Classification Scheme 2023. Collection method: clinical testing. Allele origin: germline.

Labcorp Genetics (formerly Invitae), Labcorp
Classification: Uncertain significance for Nephronophthisis 14. Last evaluated: 2022-03-26. Review status: criteria provided, single submitter. Criteria: Invitae Variant Classification Sherloc (09022015). Collection method: clinical testing. Allele origin: germline.
Comment: This sequence change replaces glutamic acid, which is acidic and polar, with lysine, which is basic and polar, at codon 1111 of the ZNF423 protein (p.Glu1111Lys). This variant is present in population databases (no rsID available, gnomAD 0.005%). This variant has not been reported in the literature in individuals affected with ZNF423-related conditions. Algorithms developed to predict the effect of missense changes on protein structure and function (SIFT, PolyPhen-2, Align-GVGD) all suggest that this variant is likely to be tolerated. In summary, the available evidence is currently insufficient to determine the role of this variant in disease. Therefore, it has been classified as a Variant of Uncertain Significance.